The following is an entry in ClinVar:

NM_013266.4(CTNNA3):c.646C>T (p.Pro216Ser)

Gene: CTNNA3 (catenin alpha 3; minus strand). Cytogenetic location: 10q21.3.
Variant type: single nucleotide variant.
Coding change: c.646C>T on transcript NM_013266.4 (MANE Select); coding-DNA position 646, C replaced by T.
Protein change: p.Pro216Ser; replaces proline 216 with serine.
Molecular consequence: missense variant.
Genome position (GRCh38, 1-based): chr10:67,219,804, G>A on the plus strand (C>T on the coding strand, the complement: CTNNA3 is on the minus strand). VCF-style: chr10-67219804-G-A. GRCh37 (hg19) VCF-style: chr10-68979562-G-A.
Other names: c.646C>T (NM_013266.2); c.646C>T, p.Pro216Ser (NM_001127384.3); c.682C>T, p.Pro228Ser (NM_001291133.2); short protein forms P228S, P216S.
Identifiers: ClinVar variation 1511743 (VCV001511743.7), dbSNP rs768170868, ClinGen allele CA5520525.

ClinVar aggregate classification (germline): Uncertain significance. Review status: criteria provided, multiple submitters, no conflicts (2 of 4 stars). 2 submissions from 2 submitters: Uncertain significance (2). Last evaluated 2025-08-25.

Conditions:
Arrhythmogenic right ventricular dysplasia 13. Also called: Arrhythmogenic right ventricular dysplasia, familial, 13; ARRHYTHMOGENIC RIGHT VENTRICULAR CARDIOMYOPATHY 13. Identifiers: MedGen C3810138, MONDO:0000908, OMIM 615616.

Allele frequency attached by ClinVar (database versions not stated): gnomAD exomes below 0.00001 and 0.00001; ExAC 0.00001; TOPMed 0.00001.

Submissions (2):

Ambry Genetics
Classification: Uncertain significance. Last evaluated: 2025-08-25. Review status: criteria provided, single submitter. Criteria: Ambry Variant Classification Scheme 2023. Collection method: clinical testing. Allele origin: germline.

Labcorp Genetics (formerly Invitae), Labcorp
Classification: Uncertain significance for Arrhythmogenic right ventricular dysplasia 13. Last evaluated: 2025-06-04. Review status: criteria provided, single submitter. Criteria: Invitae Variant Classification Sherloc (09022015). Collection method: clinical testing. Allele origin: germline.
Comment: This sequence change replaces proline, which is neutral and non-polar, with serine, which is neutral and polar, at codon 216 of the CTNNA3 protein (p.Pro216Ser). This variant is present in population databases (rs768170868, gnomAD 0.003%). This variant has not been reported in the literature in individuals affected with CTNNA3-related conditions. ClinVar contains an entry for this variant (Variation ID: 1511743). Invitae Evidence Modeling of protein sequence and biophysical properties (such as structural, functional, and spatial information, amino acid conservation, physicochemical variation, residue mobility, and thermodynamic stability) indicates that this missense variant is not expected to disrupt CTNNA3 protein function with a negative predictive value of 80%. In summary, the available evidence is currently insufficient to determine the role of this variant in disease. Therefore, it has been classified as a Variant of Uncertain Significance.